The following is an entry in ClinVar:

ClinVar aggregate classification (germline): Likely benign. Review status: criteria provided, single submitter (1 of 4 stars). 2 submissions from 2 submitters: Likely benign (1). 1 of the submissions does not count toward it. Last evaluated 2020-04-14.

Conditions:
TUBB4B-related disorder. Also called: TUBB4B-related condition.

Submissions (2):

Blueprint Genetics
Classification: Likely benign. Last evaluated: 2020-04-14. Review status: criteria provided, single submitter. Criteria: ACMG Guidelines, 2015. Collection method: clinical testing. Allele origin: germline.

PreventionGenetics, part of Exact Sciences
Classification: Likely benign for TUBB4B-related condition. Last evaluated: 2023-06-27. Review status: no assertion criteria provided. Collection method: clinical testing. Allele origin: germline. Not counted in ClinVar's aggregate classification.
Comment: This variant is classified as likely benign based on ACMG/AMP sequence variant interpretation guidelines (Richards et al. 2015 PMID: 25741868, with internal and published modifications).

NM_006088.6(TUBB4B):c.1227C>T (p.Thr409=)

Gene: TUBB4B (tubulin beta 4B class IVb; plus strand). Cytogenetic location: 9q34.3.
Variant type: single nucleotide variant.
Coding change: c.1227C>T on transcript NM_006088.6 (MANE Select); coding-DNA position 1227, C replaced by T.
Protein change: p.Thr409=; no amino-acid change (threonine 409 retained).
Molecular consequence: synonymous variant.
Genome position (GRCh38, 1-based): chr9:137,243,445, C>T. VCF-style: chr9-137243445-C-T. GRCh37 (hg19) VCF-style: chr9-140137897-C-T.
Identifiers: ClinVar variation 3030908 (VCV003030908.3), dbSNP rs770443576, ClinGen allele CA5365487.